The following is an entry in ClinVar:

NM_007215.4(POLG2):c.730C>T (p.Pro244Ser)

Genes: POLG2 (DNA polymerase gamma 2, accessory subunit; minus strand), MILR1 (mast cell immunoglobulin like receptor 1; plus strand). Cytogenetic location: 17q23.3.
Variant type: single nucleotide variant.
Coding change: c.730C>T on transcript NM_007215.4 (MANE Select); coding-DNA position 730, C replaced by T.
Protein change: p.Pro244Ser; replaces proline 244 with serine.
Molecular consequence: missense variant.
Genome position (GRCh38, 1-based): chr17:64,492,732, G>A on the plus strand (C>T on the coding strand, the complement: POLG2 is on the minus strand). VCF-style: chr17-64492732-G-A. GRCh37 (hg19) VCF-style: chr17-62488849-G-A.
Other names: short protein forms P244S.
Identifiers: ClinVar variation 1479756 (VCV001479756.6), dbSNP rs782561430, ClinGen allele CA8712934.

ClinVar aggregate classification (germline): Uncertain significance (1 of 4 stars; one submission).

Allele frequency attached by ClinVar (database versions not stated): gnomAD exomes 0.00001 and 0.00002; ExAC 0.00002.
gnomAD v4.1: 15 of 1,613,278 alleles (0.00093%); highest among the groups gnomAD compares: South Asian, 0.0066%; no homozygotes.

Submission:

Labcorp Genetics (formerly Invitae), Labcorp
Classification: Uncertain significance. Last evaluated: 2022-07-24. Review status: criteria provided, single submitter. Criteria: Invitae Variant Classification Sherloc (09022015). Collection method: clinical testing. Allele origin: germline.
Comment: In summary, the available evidence is currently insufficient to determine the role of this variant in disease. Therefore, it has been classified as a Variant of Uncertain Significance. Algorithms developed to predict the effect of missense changes on protein structure and function output the following: SIFT: "Tolerated"; PolyPhen-2: "Benign"; Align-GVGD: "Class C0". The serine amino acid residue is found in multiple mammalian species, which suggests that this missense change does not adversely affect protein function. ClinVar contains an entry for this variant (Variation ID: 1479756). This variant has not been reported in the literature in individuals affected with POLG2-related conditions. This variant is present in population databases (rs782561430, gnomAD 0.007%). This sequence change replaces proline, which is neutral and non-polar, with serine, which is neutral and polar, at codon 244 of the POLG2 protein (p.Pro244Ser).